The following is an entry in ClinVar:

ClinVar aggregate classification (germline): Uncertain significance (1 of 4 stars; one submission).

Conditions:
Hereditary cancer-predisposing syndrome. Also called: Neoplastic Syndromes, Hereditary; Tumor predisposition; Hereditary neoplastic syndrome; Hereditary Cancer Syndrome. Identifiers: Orphanet 140162, MedGen C0027672, MeSH D009386, MONDO:0015356.

Allele frequency attached by ClinVar (database versions not stated): 1000 Genomes Project 30x 0.00328.

Submission:

Ambry Genetics
Classification: Uncertain significance for Hereditary cancer-predisposing syndrome. Last evaluated: 2015-10-08. Review status: criteria provided, single submitter. Criteria: Ambry Variant Classification Scheme 2023. Collection method: clinical testing. Allele origin: germline.
Comment: The c.2718-12A>C intronic alteration consists of a A to C substitution 12 nucleotides before coding exon 21 in the POLD1 gene. Based on insufficient or conflicting evidence, the clinical significance of this alteration remains unclear.

NM_002691.4(POLD1):c.2718-12A>C

Gene: POLD1 (DNA polymerase delta 1, catalytic subunit; plus strand). Cytogenetic location: 19q13.33.
Variant type: single nucleotide variant.
Coding change: c.2718-12A>C on transcript NM_002691.4 (MANE Select); 12 bases into the intron before coding-DNA position 2718, A replaced by C.
Molecular consequence: intron variant.
Genome position (GRCh38, 1-based): chr19:50,415,712, A>C. VCF-style: chr19-50415712-A-C. GRCh37 (hg19) VCF-style: chr19-50918969-A-C.
Other names: c.2718-12A>C (NM_001256849.1); c.2796-12A>C (NM_001308632.1).
Identifiers: ClinVar variation 3076179 (VCV003076179.1), dbSNP rs3219433, ClinGen allele CA633897425.